The following is an entry in ClinVar:

ClinVar aggregate classification (germline): Pathogenic/Likely pathogenic. Review status: criteria provided, multiple submitters, no conflicts (2 of 4 stars). 5 submissions from 5 submitters: Pathogenic (2); Likely pathogenic (1). 2 of the submissions do not count toward it. Last evaluated 2022-09-06.

Conditions:
Hereditary cancer-predisposing syndrome. Also called: Tumor predisposition; Hereditary neoplastic syndrome; Hereditary Cancer Syndrome; Neoplastic Syndromes, Hereditary. Identifiers: Orphanet 140162, MedGen C0027672, MeSH D009386, MONDO:0015356.
Hereditary breast ovarian cancer syndrome. Also called: Hereditary breast and/or ovarian cancer syndrome; Breast and ovarian cancer; Hereditary breast and ovarian cancer syndrome; Hereditary breast and ovarian cancer; Hereditary breast and ovarian cancer syndrome (HBOC); BRCA1- and BRCA2-Associated Hereditary Breast and Ovarian Cancer. Identifiers: Orphanet 145, MedGen C0677776, MeSH D061325, MONDO:0003582. Disease mechanism: loss of function.
Breast-ovarian cancer, familial, susceptibility to, 1 (BROVCA1). Also called: BRCA1 Hereditary Breast and Ovarian Cancer; OVARIAN CANCER, SUSCEPTIBILITY TO. Identifiers: Orphanet 145, MedGen C2676676, MONDO:0011450, OMIM 604370. Disease mechanism: loss of function.

Submissions (6):

Labcorp Genetics (formerly Invitae), Labcorp
Classification: Pathogenic for Hereditary breast ovarian cancer syndrome. Last evaluated: 2022-09-06. Review status: criteria provided, single submitter. Criteria: Invitae Variant Classification Sherloc (09022015). Collection method: clinical testing. Allele origin: germline.
Comment: Disruption of this splice site has been observed in individual(s) with high risk of breast and/or ovarian cancer (PMID: 22762150, 29446198). This sequence change affects a donor splice site in intron 20 of the BRCA1 gene. It is expected to disrupt RNA splicing. Variants that disrupt the donor or acceptor splice site typically lead to a loss of protein function (PMID: 16199547), and loss-of-function variants in BRCA1 are known to be pathogenic (PMID: 20104584). This variant is not present in population databases (gnomAD no frequency). ClinVar contains an entry for this variant (Variation ID: 125825). Algorithms developed to predict the effect of variants on protein structure and function are not available or were not evaluated for this variant. Experimental studies have shown that disruption of this splice site affects BRCA1 function (PMID: 30209399). Algorithms developed to predict the effect of sequence changes on RNA splicing suggest that this variant may disrupt the consensus splice site. For these reasons, this variant has been classified as Pathogenic.

Color Diagnostics, LLC DBA Color Health
Classification: Likely pathogenic for Hereditary cancer-predisposing syndrome. Last evaluated: 2019-08-19. Review status: criteria provided, single submitter. Criteria: ACMG Guidelines, 2015. Collection method: clinical testing. Allele origin: germline.
Comment: This variant causes an T>A nucleotide substitution at the +2 position of intron 20 of the BRCA1 gene. Splice site prediction tools predict that this variant may have a significant impact on RNA splicing. To our knowledge, functional studies have not been performed for this variant. This variant has not been reported in individuals affected with hereditary cancer in the literature. This variant has not been identified in the general population by the Genome Aggregation Database (gnomAD). Loss of BRCA1 function is a known mechanism of disease. Based on the available evidence, this variant is classified as Likely Pathogenic.

Consortium of Investigators of Modifiers of BRCA1/2 (CIMBA), c/o University of Cambridge
Classification: Pathogenic for Breast-ovarian cancer, familial, susceptibility to, 1. Last evaluated: 2015-10-02. Review status: criteria provided, single submitter. Criteria: CIMBA Mutation Classification guidelines May 2016. Collection method: clinical testing. Allele origin: germline.

BRCAlab, Lund University
Classification: Pathogenic for Breast-ovarian cancer, familial, susceptibility to, 1. Last evaluated: 2020-03-02. Review status: no assertion criteria provided. Collection method: clinical testing. Allele origin: germline. Affected: yes. Not counted in ClinVar's aggregate classification.

Breast Cancer Information Core (BIC) (BRCA1)
Classification: Pathogenic for Breast-ovarian cancer, familial 1. Review status: no assertion criteria provided. Collection method: clinical testing. Allele origin: germline. Affected: yes. Observed: 1 variant allele. Not counted in ClinVar's aggregate classification.

Brotman Baty Institute, University of Washington
No classification provided (evidence only). Condition: Breast-ovarian cancer, familial 1. Review status: no classification provided. Collection method: in vitro. Allele origin: not applicable. Functional consequence: functionally_abnormal. Not counted in ClinVar's aggregate classification.
ClinVar note: "not provided" was previously submitted as the classification for the variant. However, the classification appeared to be based only on an observation of functional data so it was converted to no classification on 2025-07-30.

Literature cited by the submitters: PubMed 22762150 (cited by Labcorp Genetics (formerly Invitae), Labcorp); PubMed 29446198 (cited by Labcorp Genetics (formerly Invitae), Labcorp); PubMed 16199547 (cited by Labcorp Genetics (formerly Invitae), Labcorp); PubMed 20104584 (cited by Labcorp Genetics (formerly Invitae), Labcorp); PubMed 30209399 (cited by Labcorp Genetics (formerly Invitae), Labcorp).

NM_007294.4(BRCA1):c.5332+2T>A

Gene: BRCA1 (BRCA1 DNA repair associated; minus strand). Cytogenetic location: 17q21.31.
Variant type: single nucleotide variant.
Coding change: c.5332+2T>A on transcript NM_007294.4 (MANE Select); the canonical splice donor site of the intron after coding-DNA position 5332, T replaced by A.
Molecular consequence: splice donor variant. On other transcripts: intron variant (2).
Genome position (GRCh38, 1-based): chr17:43,051,061, A>T on the plus strand (T>A on the coding strand, the complement: BRCA1 is on the minus strand). VCF-style: chr17-43051061-A-T. GRCh37 (hg19) VCF-style: chr17-41203078-A-T.
Other names: IVS21+2T>A; c.1810+2T>A (NM_001408491.1, NM_001408481.1, NM_001408490.1 and 5 more transcripts); c.5116+2T>A (NM_001407918.1, NM_001407915.1, NM_001407916.1 and 1 more transcripts); c.5119+2T>A (NM_001407894.1, NM_001407909.1, NM_001407906.1 and 12 more transcripts); c.4993+2T>A (NM_001407957.1, NM_001407958.1, NM_001407956.1); c.4996+2T>A (NM_001407953.1, NM_001407955.1, NM_001407951.1 and 3 more transcripts); c.4999+2T>A (NM_001407949.1, NM_001407946.1, NM_001407948.1 and 1 more transcripts); c.1696+2T>A (NM_001408506.1); and 75 more.
Identifiers: ClinVar variation 125825 (VCV000125825.18), dbSNP rs80358182, ClinGen allele CA003487.